The following is an entry in ClinVar:

ClinVar aggregate classification (germline): Benign/Likely benign. Review status: criteria provided, multiple submitters, no conflicts (2 of 4 stars). 6 submissions from 6 submitters: Benign (4); Likely benign (1). 1 of the submissions does not count toward it. Last evaluated 2026-02-04.

Conditions:
Cortical dysplasia-focal epilepsy syndrome (PTHSL1). Also called: Pitt-Hopkins-like syndrome 1. Identifiers: Orphanet 163681, Orphanet 221150, MedGen C2750246, MONDO:0012400, OMIM 610042.

Submissions (6):

Labcorp Genetics (formerly Invitae), Labcorp
Classification: Benign for Cortical dysplasia-focal epilepsy syndrome. Last evaluated: 2026-02-04. Review status: criteria provided, single submitter. Criteria: Invitae Variant Classification Sherloc (09022015). Collection method: clinical testing. Allele origin: germline.

Athena Diagnostics
Classification: Benign. Last evaluated: 2024-09-13. Review status: criteria provided, single submitter. Criteria: Athena Diagnostics Criteria. Collection method: clinical testing. Allele origin: unknown.

GeneDx
Classification: Benign. Last evaluated: 2013-12-20. Review status: criteria provided, single submitter. Criteria: GeneDx Variant Classification (06012015). Collection method: clinical testing. Allele origin: germline. Affected: yes.
Comment: This variant is considered likely benign or benign based on one or more of the following criteria: it is a conservative change, it occurs at a poorly conserved position in the protein, it is predicted to be benign by multiple in silico algorithms, and/or has population frequency not consistent with disease.

Eurofins Ntd Llc (ga)
Classification: Benign. Last evaluated: 2013-05-17. Review status: criteria provided, single submitter. Criteria: EGL Classification Definitions. Collection method: clinical testing. Allele origin: germline. Observed: 16 variant alleles, 6 heterozygotes, 10 homozygotes.

PreventionGenetics, part of Exact Sciences
Classification: Likely benign. Review status: criteria provided, single submitter. Criteria: ACMG Guidelines, 2015. Collection method: clinical testing. Allele origin: germline.

Genetic Services Laboratory, University of Chicago
Classification: Benign. Last evaluated: 2014-07-01. Review status: no assertion criteria provided. Collection method: clinical testing. Allele origin: germline. Affected: yes. Not counted in ClinVar's aggregate classification.

Literature cited by the submitters: PubMed 23757202 (cited by Eurofins Ntd Llc (ga)).

NM_014141.6(CNTNAP2):c.3716-17TCTT[3]

Gene: CNTNAP2 (contactin associated protein 2; plus strand). Cytogenetic location: 7q36.1.
Variant type: Microsatellite.
Coding change: c.3716-17TCTT[3] on transcript NM_014141.6 (MANE Select); three copies in a row of the 4-base unit TCTT starting at c.3716-17.
Molecular consequence: intron variant.
Genome position: GRCh38 VCF-style: chr7-148409373-C-CTCTT. GRCh37 (hg19) VCF-style: chr7-148106465-C-CTCTT.
Other names: c.3716-10_3716-7dupTTCT (NM_014141.5).
Identifiers: ClinVar variation 95571 (VCV000095571.21), dbSNP rs142426153, ClinGen allele CA231036.
Genomic context (GRCh38, chr7:148,409,373, plus strand): 5'-CATGAAGAAATAGGTATCAAATTATTTGGGATCAATAGTATACTTGACTCTGACACTTGA[C>CTCTT]TCTTTCTTTCTCTACAGCCAGTGCGGATTTTCCATATAATCCAGGACAAGGCCAAGCTAT-3'